The following is an entry in ClinVar:

ClinVar aggregate classification (germline): Uncertain significance. Review status: criteria provided, multiple submitters, no conflicts (2 of 4 stars). 4 submissions from 4 submitters: Uncertain significance (4). Last evaluated 2026-05-21.

Conditions:
BBS2-related disorder. Also called: BBS2-related condition; BBS2-related disorders. Identifiers: MedGen CN239228.
Bardet-Biedl syndrome (BBS). Identifiers: Orphanet 110, MedGen C0752166, MONDO:0015229.
Retinitis pigmentosa 74 (RP74). Identifiers: Orphanet 791, MedGen C4225281, MONDO:0014692, OMIM 616562.
Bardet-Biedl syndrome 2 (BBS2). Identifiers: Orphanet 110, MedGen C2936863, MONDO:0014432, OMIM 615981.

Allele frequency attached by ClinVar (database versions not stated): ExAC 0.00001; gnomAD 0.00004; TOPMed 0.00005.
gnomAD v4.1: 17 of 1,613,040 alleles (0.0011%); highest among the groups gnomAD compares: African/African-American, 0.008%; no homozygotes.

Submissions (4):

PreventionGenetics, part of Exact Sciences
Classification: Uncertain significance for BBS2-related condition. Last evaluated: 2026-05-21. Review status: criteria provided, single submitter. Criteria: ACMG Guidelines, 2015. Collection method: clinical testing. Allele origin: germline.
Comment: The BBS2 c.1751C>T variant is predicted to result in the amino acid substitution p.Ala584Val. To our knowledge, this variant has not been reported in the literature. This variant is reported in 0.010% of alleles in individuals of East Asian descent in gnomAD. At this time, the clinical significance of this variant is uncertain due to the absence of conclusive functional and genetic evidence.

Blueprint Genetics
Classification: Uncertain significance. Last evaluated: 2024-11-25. Review status: criteria provided, single submitter. Criteria: ACMG Guidelines, 2015. Collection method: clinical testing. Allele origin: germline.

Fulgent Genetics
Classification: Uncertain significance for Bardet-Biedl syndrome 2; Retinitis pigmentosa 74. Last evaluated: 2024-01-04. Review status: criteria provided, single submitter. Criteria: ACMG Guidelines, 2015. Collection method: clinical testing. Allele origin: germline.

Labcorp Genetics (formerly Invitae), Labcorp
Classification: Uncertain significance for Bardet-Biedl syndrome. Last evaluated: 2022-08-15. Review status: criteria provided, single submitter. Criteria: Invitae Variant Classification Sherloc (09022015). Collection method: clinical testing. Allele origin: germline.
Comment: This sequence change replaces alanine, which is neutral and non-polar, with valine, which is neutral and non-polar, at codon 584 of the BBS2 protein (p.Ala584Val). This variant is present in population databases (rs773315255, gnomAD 0.01%). This variant has not been reported in the literature in individuals affected with BBS2-related conditions. Algorithms developed to predict the effect of missense changes on protein structure and function are either unavailable or do not agree on the potential impact of this missense change (SIFT: "Deleterious"; PolyPhen-2: "Possibly Damaging"; Align-GVGD: "Class C0"). In summary, the available evidence is currently insufficient to determine the role of this variant in disease. Therefore, it has been classified as a Variant of Uncertain Significance.

NM_031885.5(BBS2):c.1751C>T (p.Ala584Val)

Gene: BBS2 (Bardet-Biedl syndrome 2; minus strand). Cytogenetic location: 16q13.
Variant type: single nucleotide variant.
Coding change: c.1751C>T on transcript NM_031885.5 (MANE Select); coding-DNA position 1751, C replaced by T.
Protein change: p.Ala584Val; replaces alanine 584 with valine.
Molecular consequence: missense variant. On other transcripts: non-coding transcript variant (5).
Genome position (GRCh38, 1-based): chr16:56,497,789, G>A on the plus strand (C>T on the coding strand, the complement: BBS2 is on the minus strand). VCF-style: chr16-56497789-G-A. GRCh37 (hg19) VCF-style: chr16-56531701-G-A.
Other names: c.1751C>T (NM_031885.3); c.1751C>T, p.Ala584Val (NM_001377456.1); short protein forms A584V.
Identifiers: ClinVar variation 2416286 (VCV002416286.6), dbSNP rs773315255, ClinGen allele CA8065631.
Genomic context (GRCh38, chr16:56,497,789, plus strand): 5'-CCGCATTCCCTCACCTTAACTAGCACCTTTCGTAATTCCTCAAAATAGACAGGAAAATCC[G>A]CTTCTACTTGAAGGTCTTCAATAGCAAAAAATGATGCCATTGACTGGATGATATCACCAG-3'
Protein context (NP_114091.4, residues 574-594): FFAIEDLQVE[Ala584Val]DFPVYFEELR